The following is an entry in ClinVar:

ClinVar aggregate classification (germline): Uncertain significance (1 of 4 stars; one submission).

Submission:

GeneDx
Classification: Uncertain significance. Last evaluated: 2025-03-26. Review status: criteria provided, single submitter. Criteria: GeneDx Variant Classification Process June 2021. Collection method: clinical testing. Allele origin: germline. Affected: yes.
Comment: Not observed at significant frequency in large population cohorts (gnomAD); In silico analysis supports that this missense variant has a deleterious effect on protein structure/function; Has not been previously published as pathogenic or benign to our knowledge

NM_000396.4(CTSK):c.401G>T (p.Gly134Val)

Gene: CTSK (cathepsin K; minus strand). Cytogenetic location: 1q21.3.
Variant type: single nucleotide variant.
Coding change: c.401G>T on transcript NM_000396.4 (MANE Select); coding-DNA position 401, G replaced by T.
Protein change: p.Gly134Val; replaces glycine 134 with valine.
Molecular consequence: missense variant.
Genome position (GRCh38, 1-based): chr1:150,804,238, C>A on the plus strand (G>T on the coding strand, the complement: CTSK is on the minus strand). VCF-style: chr1-150804238-C-A. GRCh37 (hg19) VCF-style: chr1-150776714-C-A.
Other names: short protein forms G134V.
Identifiers: ClinVar variation 4088038 (VCV004088038.1).